The following is an entry in ClinVar:

ClinVar aggregate classification (germline): Uncertain significance. Review status: criteria provided, multiple submitters, no conflicts (2 of 4 stars). 2 submissions from 2 submitters: Uncertain significance (2). Last evaluated 2025-11-19.

Conditions:
Inborn genetic diseases. Identifiers: MedGen C0950123, MeSH D030342.
Brown-Vialetto-van Laere syndrome 2. Also called: SPINOCEREBELLAR ATAXIA WITH BLINDNESS AND DEAFNESS 2; Riboflavin transporter deficiency type 2. Identifiers: Orphanet 572543, Orphanet 97229, MedGen C3553538, MONDO:0013867, OMIM 614707.

Allele frequency attached by ClinVar (database versions not stated): ESP Exome Variant Server 0.00008; ExAC 0.00002; TOPMed 0.00004; gnomAD 0.00001; gnomAD exomes 0.00001.
gnomAD v4.1: 14 of 1,612,824 alleles (0.00087%); highest among the groups gnomAD compares: Admixed American, 0.0017%; no homozygotes.

Submissions (2):

Ambry Genetics
Classification: Uncertain significance for Inborn genetic diseases. Last evaluated: 2025-11-19. Review status: criteria provided, single submitter. Criteria: Ambry Variant Classification Scheme 2023. Collection method: clinical testing. Allele origin: germline.

Labcorp Genetics (formerly Invitae), Labcorp
Classification: Uncertain significance for Brown-Vialetto-van Laere syndrome 2. Last evaluated: 2023-04-14. Review status: criteria provided, single submitter. Criteria: Invitae Variant Classification Sherloc (09022015). Collection method: clinical testing. Allele origin: germline.
Comment: This variant is present in population databases (rs370367859, gnomAD 0.003%). This sequence change replaces leucine, which is neutral and non-polar, with glutamine, which is neutral and polar, at codon 217 of the SLC52A2 protein (p.Leu217Gln). ClinVar contains an entry for this variant (Variation ID: 1374394). This variant has not been reported in the literature in individuals affected with SLC52A2-related conditions. Advanced modeling of protein sequence and biophysical properties (such as structural, functional, and spatial information, amino acid conservation, physicochemical variation, residue mobility, and thermodynamic stability) has been performed at Invitae for this missense variant, however the output from this modeling did not meet the statistical confidence thresholds required to predict the impact of this variant on SLC52A2 protein function. In summary, the available evidence is currently insufficient to determine the role of this variant in disease. Therefore, it has been classified as a Variant of Uncertain Significance.

NM_001363118.2(SLC52A2):c.650T>A (p.Leu217Gln)

Gene: SLC52A2 (solute carrier family 52 member 2; plus strand). Cytogenetic location: 8q24.3.
Variant type: single nucleotide variant.
Coding change: c.650T>A on transcript NM_001363118.2 (MANE Select); coding-DNA position 650, T replaced by A.
Protein change: p.Leu217Gln; replaces leucine 217 with glutamine.
Molecular consequence: missense variant. On other transcripts: non-coding transcript variant (1).
Genome position (GRCh38, 1-based): chr8:144,360,142, T>A. VCF-style: chr8-144360142-T-A. GRCh37 (hg19) VCF-style: chr8-145583802-T-A.
Other names: c.650T>A (NM_024531.3); c.650T>A, p.Leu217Gln (NM_001253815.2, NM_001253816.2, NM_001363120.2 and 2 more transcripts); c.158T>A, p.Leu53Gln (NM_001363122.2); short protein forms L53Q, L217Q.
Identifiers: ClinVar variation 1374394 (VCV001374394.5), dbSNP rs370367859, ClinGen allele CA4938252.